The following is an entry in ClinVar:

NM_018979.4(WNK1):c.3474G>C (p.Glu1158Asp)

Gene: WNK1 (WNK lysine deficient protein kinase 1; plus strand). Cytogenetic location: 12p13.33.
Variant type: single nucleotide variant.
Coding change: c.3474G>C on transcript NM_018979.4 (MANE Select); coding-DNA position 3474, G replaced by C.
Protein change: p.Glu1158Asp; replaces glutamic acid 1158 with aspartic acid.
Molecular consequence: missense variant.
Genome position (GRCh38, 1-based): chr12:883,044, G>C. VCF-style: chr12-883044-G-C. GRCh37 (hg19) VCF-style: chr12-992210-G-C.
Other names: c.4254G>C, p.Glu1418Asp (NM_001184985.2); c.2733G>C, p.Glu911Asp (NM_014823.3); c.4230G>C, p.Glu1410Asp (NM_213655.5); short protein forms E1158D, E1410D, E1418D, E911D.
Identifiers: ClinVar variation 3758142 (VCV003758142.2).

ClinVar aggregate classification (germline): Uncertain significance (1 of 4 stars; one submission).

Conditions:
Neuropathy, hereditary sensory and autonomic, type 2A (HSAN2A). Also called: ACROOSTEOLYSIS, GIACCAI TYPE; ACROOSTEOLYSIS, NEUROGENIC; MORVAN DISEASE; NEUROPATHY, CONGENITAL SENSORY; NEUROPATHY, HEREDITARY SENSORY RADICULAR, AUTOSOMAL RECESSIVE; NEUROPATHY, HEREDITARY SENSORY, TYPE IIA. Identifiers: Orphanet 970, MedGen C2752089, MONDO:0024309, OMIM 201300.
Pseudohypoaldosteronism type 2C (PHA2C). Also called: Pseudohypoaldosteronism Type IIC. Identifiers: Orphanet 757, Orphanet 88940, MedGen C1840391, MONDO:0013778, OMIM 614492.

Submission:

Labcorp Genetics (formerly Invitae), Labcorp
Classification: Uncertain significance for Neuropathy, hereditary sensory and autonomic, type 2A; Pseudohypoaldosteronism type 2C. Last evaluated: 2024-06-30. Review status: criteria provided, single submitter. Criteria: Invitae Variant Classification Sherloc (09022015). Collection method: clinical testing. Allele origin: germline.
Comment: This sequence change replaces glutamic acid, which is acidic and polar, with aspartic acid, which is acidic and polar, at codon 1410 of the WNK1 protein (p.Glu1410Asp). This variant is not present in population databases (gnomAD no frequency). This variant has not been reported in the literature in individuals affected with WNK1-related conditions. Advanced modeling of protein sequence and biophysical properties (such as structural, functional, and spatial information, amino acid conservation, physicochemical variation, residue mobility, and thermodynamic stability) performed at Invitae indicates that this missense variant is not expected to disrupt WNK1 protein function with a negative predictive value of 95%. In summary, the available evidence is currently insufficient to determine the role of this variant in disease. Therefore, it has been classified as a Variant of Uncertain Significance.